The following is an entry in ClinVar:

NM_001999.4(FBN2):c.1784A>T (p.Asp595Val)

Gene: FBN2 (fibrillin 2; minus strand). Cytogenetic location: 5q23.3.
Variant type: single nucleotide variant.
Coding change: c.1784A>T on transcript NM_001999.4 (MANE Select); coding-DNA position 1784, A replaced by T.
Protein change: p.Asp595Val; replaces aspartic acid 595 with valine.
Molecular consequence: missense variant.
Genome position (GRCh38, 1-based): chr5:128,377,817, T>A on the plus strand (A>T on the coding strand, the complement: FBN2 is on the minus strand). VCF-style: chr5-128377817-T-A. GRCh37 (hg19) VCF-style: chr5-127713510-T-A.
Other names: short protein forms D595V.
Identifiers: ClinVar variation 1800536 (VCV001800536.4), dbSNP rs1381446042, ClinGen allele CA360742542.

ClinVar aggregate classification (germline): Uncertain significance. Review status: criteria provided, multiple submitters, no conflicts (2 of 4 stars). 2 submissions from 2 submitters: Uncertain significance (2). Last evaluated 2023-01-26.

Conditions:
Congenital contractural arachnodactyly (CCA). Also called: BEALS SYNDROME; Arthrogryposis, distal, type 9; Beals-Hecht syndrome. Identifiers: Orphanet 115, MedGen C0220668, MONDO:0007363, OMIM 121050.

Allele frequency attached by ClinVar (database versions not stated): gnomAD exomes below 0.00001; TOPMed below 0.00001.
gnomAD v4.1: 2 of 1,613,636 alleles (0.00012%); highest among the groups gnomAD compares: Non-Finnish European, 0.00017%; no homozygotes.

Submissions (2):

Labcorp Genetics (formerly Invitae), Labcorp
Classification: Uncertain significance for Congenital contractural arachnodactyly. Last evaluated: 2023-01-26. Review status: criteria provided, single submitter. Criteria: Invitae Variant Classification Sherloc (09022015). Collection method: clinical testing. Allele origin: germline.
Comment: This sequence change replaces aspartic acid, which is acidic and polar, with valine, which is neutral and non-polar, at codon 595 of the FBN2 protein (p.Asp595Val). In summary, the available evidence is currently insufficient to determine the role of this variant in disease. Therefore, it has been classified as a Variant of Uncertain Significance. Advanced modeling of protein sequence and biophysical properties (such as structural, functional, and spatial information, amino acid conservation, physicochemical variation, residue mobility, and thermodynamic stability) performed at Invitae indicates that this missense variant is not expected to disrupt FBN2 protein function. ClinVar contains an entry for this variant (Variation ID: 1800536). This variant has not been reported in the literature in individuals affected with FBN2-related conditions. This variant is not present in population databases (gnomAD no frequency).

GeneDx
Classification: Uncertain significance. Last evaluated: 2022-05-16. Review status: criteria provided, single submitter. Criteria: GeneDx Variant Classification Process June 2021. Collection method: clinical testing. Allele origin: germline. Affected: yes.
Comment: Not observed at significant frequency in large population cohorts (gnomAD); In silico analysis supports that this missense variant has a deleterious effect on protein structure/function; Has not been previously published as pathogenic or benign to our knowledge; Although located in a calcium-binding EGF-like domain of the FBN2 gene, it does not substitute or introduce a cysteine residue (Callewaert et al., 2008; Frederic et al., 2009)